The following is an entry in ClinVar:

ClinVar aggregate classification (germline): Uncertain significance. Review status: criteria provided, multiple submitters, no conflicts (2 of 4 stars). 2 submissions from 2 submitters: Uncertain significance (2). Last evaluated 2024-03-04.

Conditions:
ATP6V0A4-related disorder. Also called: ATP6V0A4-related condition.
Renal tubular acidosis, distal, 3, with or without sensorineural hearing loss (DRTA3). Identifiers: MedGen C5399980, MONDO:0011268, OMIM 602722.

gnomAD v4.1: 6 of 1,613,718 alleles (0.00037%); highest among the groups gnomAD compares: Middle Eastern, 0.017%; no homozygotes.

Submissions (2):

Fulgent Genetics
Classification: Uncertain significance for Renal tubular acidosis, distal, 3, with or without sensorineural hearing loss. Last evaluated: 2024-03-04. Review status: criteria provided, single submitter. Criteria: ACMG Guidelines, 2015. Collection method: clinical testing. Allele origin: germline.

PreventionGenetics, part of Exact Sciences
Classification: Uncertain significance for ATP6V0A4-related condition. Last evaluated: 2022-12-27. Review status: criteria provided, single submitter. Criteria: ACMG Guidelines, 2015. Collection method: clinical testing. Allele origin: germline.
Comment: The ATP6V0A4 c.2258-3C>T variant is predicted to interfere with splicing. To our knowledge, this variant has not been reported in the literature. This variant is reported in 0.00088% of alleles in individuals of European (Non-Finnish) descent in gnomAD. At this time, the clinical significance of this variant is uncertain due to the absence of conclusive functional and genetic evidence.

NM_020632.3(ATP6V0A4):c.2258-3C>T

Gene: ATP6V0A4 (ATPase H+ transporting V0 subunit a4; minus strand). Cytogenetic location: 7q34.
Variant type: single nucleotide variant.
Coding change: c.2258-3C>T on transcript NM_020632.3 (MANE Select); 3 bases into the intron before coding-DNA position 2258, C replaced by T.
Molecular consequence: intron variant.
Genome position (GRCh38, 1-based): chr7:138,709,798, G>A on the plus strand (C>T on the coding strand, the complement: ATP6V0A4 is on the minus strand). VCF-style: chr7-138709798-G-A. GRCh37 (hg19) VCF-style: chr7-138394543-G-A.
Other names: c.2258-3C>T (NM_130840.3, NM_130841.3).
Identifiers: ClinVar variation 2629727 (VCV002629727.2), dbSNP rs1417046841, ClinGen allele CA578207977.